The following is an entry in ClinVar:

ClinVar aggregate classification (germline): Benign/Likely benign. Review status: criteria provided, multiple submitters, no conflicts (2 of 4 stars). 21 submissions from 17 submitters: Benign (16); Likely benign (1). 4 of the submissions do not count toward it. Last evaluated 2026-02-04.

Conditions:
Usher syndrome type 1 (USH1). Also called: RETINITIS PIGMENTOSA AND CONGENITAL DEAFNESS. Identifiers: Orphanet 231169, Orphanet 886, MedGen C1568247, MONDO:0010168, OMIM 276900.
Autosomal recessive nonsyndromic hearing loss 2. Also called: DEAFNESS, AUTOSOMAL RECESSIVE 2; NEUROSENSORY NONSYNDROMIC RECESSIVE DEAFNESS 2. Identifiers: Orphanet 90636, MedGen C1838701, MONDO:0010807, OMIM 600060.
Autosomal dominant nonsyndromic hearing loss 11. Identifiers: Orphanet 90635, MedGen C1832475, MONDO:0011032, OMIM 601317.
Usher syndrome type 1B (USH1B). Also called: Usher syndrome type IB. Identifiers: MedGen C1848638, MONDO:0700087.

Allele frequency attached by ClinVar (database versions not stated): gnomAD exomes 0.36287 and 0.39309; ESP Exome Variant Server 0.46859; gnomAD 0.47208; TOPMed 0.49105; 1000 Genomes Project 0.51358; 1000 Genomes Project 30x 0.52186.
gnomAD v4.1: 602,303 of 1,609,820 alleles (37%); highest among the groups gnomAD compares: African/African-American, 77%; 120,171 homozygotes.

Submissions (21):

Labcorp Genetics (formerly Invitae), Labcorp
Classification: Benign. Last evaluated: 2026-02-04. Review status: criteria provided, single submitter. Criteria: Invitae Variant Classification Sherloc (09022015). Collection method: clinical testing. Allele origin: germline.

Women's Health and Genetics/Laboratory Corporation of America, LabCorp
Classification: Likely benign. Last evaluated: 2025-05-22. Review status: criteria provided, single submitter. Criteria: LabCorp Variant Classification Summary - May 2015. Collection method: clinical testing. Allele origin: germline.

Blueprint Genetics
Classification: Benign. Last evaluated: 2024-11-27. Review status: criteria provided, single submitter. Criteria: ACMG Guidelines, 2015. Collection method: clinical testing. Allele origin: germline.

ARUP Laboratories, Molecular Genetics and Genomics, ARUP Laboratories
Classification: Benign. Last evaluated: 2023-11-29. Review status: criteria provided, single submitter. Criteria: ARUP Molecular Germline Variant Investigation Process 2024. Collection method: clinical testing. Allele origin: germline.

Genome-Nilou Lab
Classification: Benign for Autosomal dominant nonsyndromic hearing loss 11. Last evaluated: 2021-07-01. Review status: criteria provided, single submitter. Criteria: ACMG Guidelines, 2015. Collection method: clinical testing. Allele origin: germline. Affected: no.

Genome-Nilou Lab
Classification: Benign for Autosomal recessive nonsyndromic hearing loss 2. Last evaluated: 2021-07-01. Review status: criteria provided, single submitter. Criteria: ACMG Guidelines, 2015. Collection method: clinical testing. Allele origin: germline. Affected: no.

Genome-Nilou Lab
Classification: Benign for Usher syndrome type 1. Last evaluated: 2021-07-01. Review status: criteria provided, single submitter. Criteria: ACMG Guidelines, 2015. Collection method: clinical testing. Allele origin: germline. Affected: no.

Mayo Clinic Laboratories, Mayo Clinic
Classification: Benign. Last evaluated: 2020-10-02. Review status: criteria provided, single submitter. Criteria: ACMG Guidelines, 2015. Collection method: clinical testing. Allele origin: germline. Observed: 104 variant alleles.

SIB Swiss Institute of Bioinformatics
Classification: Benign for Usher syndrome type 1. Last evaluated: 2018-05-31. Review status: criteria provided, single submitter. Criteria: ACMG Guidelines, 2015. Collection method: curation. Allele origin: unknown.
Comment: This variant is interpreted as a Benign - Stand Alone, for Usher syndrome 1B, in Autosomal Recessive manner. The following ACMG Tag(s) were applied: BA1 => Allele frequency is >5% in Exome Sequencing Project, 1000 Genomes Project, or Exome Aggregation Consortium.

Illumina Laboratory Services, Illumina
Classification: Benign for Autosomal recessive nonsyndromic hearing loss 2. Last evaluated: 2017-04-27. Review status: criteria provided, single submitter. Criteria: ICSL Variant Classification Criteria 13 December 2019. Collection method: clinical testing. Allele origin: germline.
Comment: This variant was observed as part of a predisposition screen in an ostensibly healthy population. A literature search was performed for the gene, cDNA change, and amino acid change (where applicable). No publications were found based on this search. Allele frequency data from public databases was too high to be consistent with this variant causing disease. Therefore, this variant is classified as benign.

Illumina Laboratory Services, Illumina
Classification: Benign for Autosomal dominant nonsyndromic hearing loss 11. Last evaluated: 2017-04-27. Review status: criteria provided, single submitter. Criteria: ICSL Variant Classification Criteria 13 December 2019. Collection method: clinical testing. Allele origin: germline.
Comment: This variant was observed as part of a predisposition screen in an ostensibly healthy population. A literature search was performed for the gene, cDNA change, and amino acid change (where applicable). Publications were found based on this search. The evidence from the literature, in combination with allele frequency data from public databases where available, was sufficient to rule this variant out of causing disease. Therefore, this variant is classified as benign.

Illumina Laboratory Services, Illumina
Classification: Benign for Usher syndrome type 1. Last evaluated: 2017-04-27. Review status: criteria provided, single submitter. Criteria: ICSL Variant Classification Criteria 13 December 2019. Collection method: clinical testing. Allele origin: germline.
Comment: the same text as in the submission from Illumina Laboratory Services, Illumina above.

GeneDx
Classification: Benign. Last evaluated: 2015-03-03. Review status: criteria provided, single submitter. Criteria: GeneDx Variant Classification Process June 2021. Collection method: clinical testing. Allele origin: germline. Affected: yes.

Eurofins Ntd Llc (ga)
Classification: Benign. Last evaluated: 2014-09-18. Review status: criteria provided, single submitter. Criteria: EGL Classification Definitions 2015. Collection method: clinical testing. Allele origin: germline.

Laboratory for Molecular Medicine, Mass General Brigham Personalized Medicine
Classification: Benign. Last evaluated: 2006-10-28. Review status: criteria provided, single submitter. Criteria: LMM Criteria. Collection method: clinical testing. Allele origin: germline. Observed: 1,442 variant alleles.

Breakthrough Genomics
Classification: Benign. Review status: criteria provided, single submitter. Criteria: ACMG Guidelines, 2015. Collection method: not provided. Allele origin: germline. Inheritance: Autosomal recessive inheritance. Affected: yes.

PreventionGenetics, part of Exact Sciences
Classification: Benign. Review status: criteria provided, single submitter. Criteria: ACMG Guidelines, 2015. Collection method: clinical testing. Allele origin: germline.

Natera, Inc.
Classification: Benign for Usher syndrome type 1B. Last evaluated: 2020-09-16. Review status: no assertion criteria provided. Collection method: clinical testing. Allele origin: germline. Not counted in ClinVar's aggregate classification.

Department of Ophthalmology and Visual Sciences Kyoto University
Classification: Likely benign. Review status: no assertion criteria provided. Collection method: not provided. Allele origin: unknown. Not counted in ClinVar's aggregate classification.
ClinVar note: Converted during submission from probable-non-pathogenic to Likely benign.

Diagnostic Laboratory, Department of Genetics, University Medical Center Groningen
Classification: Benign. Review status: no assertion criteria provided. Collection method: clinical testing. Allele origin: germline. Affected: yes. Study: VKGL Data-share Consensus. Not counted in ClinVar's aggregate classification.

Joint Genome Diagnostic Labs from Nijmegen and Maastricht, Radboudumc and MUMC+
Classification: Benign. Review status: no assertion criteria provided. Collection method: clinical testing. Allele origin: germline. Affected: yes. Study: VKGL Data-share Consensus. Not counted in ClinVar's aggregate classification.

Literature cited by the submitters: PubMed 10094549 (cited by Illumina Laboratory Services, Illumina).

NM_000260.4(MYO7A):c.47T>C (p.Leu16Ser)

Gene: MYO7A (myosin VIIA; plus strand). Cytogenetic location: 11q13.5.
Variant type: single nucleotide variant.
Coding change: c.47T>C on transcript NM_000260.4 (MANE Select); coding-DNA position 47, T replaced by C.
Protein change: p.Leu16Ser; replaces leucine 16 with serine.
Molecular consequence: missense variant.
Genome position (GRCh38, 1-based): chr11:77,142,737, T>C. VCF-style: chr11-77142737-T-C. GRCh37 (hg19) VCF-style: chr11-76853783-T-C.
Other names: NM_000260.3(MYO7A):c.47T>C(p.Leu16Ser); NM_001127179.2(MYO7A):c.47T>C(p.Leu16Ser); NM_001127180.1(MYO7A):c.47T>C(p.Leu16Ser); c.47T>C, p.Leu16Ser (NM_001127180.2); c.14T>C, p.Leu5Ser (NM_001369365.1); short protein forms L16S, L5S.
Identifiers: ClinVar variation 43258 (VCV000043258.47), dbSNP rs1052030, ClinGen allele CA132353.
Genomic context (GRCh38, chr11:77,142,737, plus strand): 5'-TCACCTGGGCTGAGACTCTCTCTCGCCCATAGGGGGACCATGTGTGGATGGACCTGAGAT[T>C]GGGGCAGGAGTTCGACGTGCCCATCGGGGCGGTGGTGAAGCTCTGCGACTCTGGGCAGGT-3'
Protein context (NP_000251.3, residues 6-26): QGDHVWMDLR[Leu16Ser]GQEFDVPIGA